The following is an entry in ClinVar:

NM_004304.5(ALK):c.610C>A (p.Leu204Met)

Gene: ALK (ALK receptor tyrosine kinase; minus strand). Cytogenetic location: 2p23.1.
Variant type: single nucleotide variant.
Coding change: c.610C>A on transcript NM_004304.5 (MANE Select); coding-DNA position 610, C replaced by A.
Protein change: p.Leu204Met; replaces leucine 204 with methionine.
Molecular consequence: missense variant.
Genome position (GRCh38, 1-based): chr2:29,920,050, G>T on the plus strand (C>A on the coding strand, the complement: ALK is on the minus strand). VCF-style: chr2-29920050-G-T. GRCh37 (hg19) VCF-style: chr2-30142916-G-T.
Other names: short protein forms L204M.
Identifiers: ClinVar variation 4676378 (VCV004676378.1).

ClinVar aggregate classification (germline): Uncertain significance (1 of 4 stars; one submission).

Conditions:
Hereditary cancer-predisposing syndrome. Also called: Neoplastic Syndromes, Hereditary; Tumor predisposition; Hereditary Cancer Syndrome; Hereditary neoplastic syndrome. Identifiers: Orphanet 140162, MedGen C0027672, MeSH D009386, MONDO:0015356.

Submission:

Ambry Genetics
Classification: Uncertain significance for Hereditary cancer-predisposing syndrome. Last evaluated: 2025-10-19. Review status: criteria provided, single submitter. Criteria: Ambry Variant Classification Scheme 2023. Collection method: clinical testing. Allele origin: germline.
Comment: The p.L204M variant (also known as c.610C>A), located in coding exon 1 of the ALK gene, results from a C to A substitution at nucleotide position 610. The leucine at codon 204 is replaced by methionine, an amino acid with highly similar properties. This amino acid position is conserved. In addition, the in silico prediction for this alteration is inconclusive. Based on the available evidence, the clinical significance of this variant remains unclear.